The following is an entry in ClinVar:

NM_001142864.4(PIEZO1):c.1543G>A (p.Asp515Asn)

Genes: HSALR1 (HSP90AB1 associated lncRNA 1; plus strand), PIEZO1 (piezo type mechanosensitive ion channel component 1 (Er blood group); minus strand). Cytogenetic location: 16q24.3.
Variant type: single nucleotide variant.
Coding change: c.1543G>A on transcript NM_001142864.4 (MANE Select); coding-DNA position 1543, G replaced by A.
Protein change: p.Asp515Asn; replaces aspartic acid 515 with asparagine.
Molecular consequence: missense variant.
Genome position (GRCh38, 1-based): chr16:88,736,162, C>T on the plus strand (G>A on the coding strand, the complement: PIEZO1 is on the minus strand). VCF-style: chr16-88736162-C-T. GRCh37 (hg19) VCF-style: chr16-88802570-C-T.
Other names: short protein forms D515N.
Identifiers: ClinVar variation 993596 (VCV000993596.10), dbSNP rs1041637926, ClinGen allele CA286432417.
Genomic context (GRCh38, chr16:88,736,162, plus strand): 5'-GGGTCTGCGCACCCAGGCACCCCCGGATGTGGTGGTGCACACTCACCATGGCACCAAGGT[C>T]CAGACAGGGGTAGCGGGTGTGCTCCAGCCCCAGCTGGCGCAGGCTGACGGGGCCCAGGGT-3'
Protein context (NP_001136336.2, residues 505-525): GLEHTRYPCL[Asp515Asn]LGAMLLYTLT

ClinVar aggregate classification (germline): Uncertain significance. Review status: criteria provided, multiple submitters, no conflicts (2 of 4 stars). 2 submissions from 2 submitters: Uncertain significance (2). Last evaluated 2025-03-10.

Allele frequency attached by ClinVar (database versions not stated): TOPMed 0.00002.

Submissions (2):

Labcorp Genetics (formerly Invitae), Labcorp
Classification: Uncertain significance. Last evaluated: 2025-03-10. Review status: criteria provided, single submitter. Criteria: Invitae Variant Classification Sherloc (09022015). Collection method: clinical testing. Allele origin: germline.
Comment: This sequence change replaces aspartic acid, which is acidic and polar, with asparagine, which is neutral and polar, at codon 515 of the PIEZO1 protein (p.Asp515Asn). This variant is not present in population databases (gnomAD no frequency). This variant has not been reported in the literature in individuals affected with PIEZO1-related conditions. ClinVar contains an entry for this variant (Variation ID: 993596). Invitae Evidence Modeling of protein sequence and biophysical properties (such as structural, functional, and spatial information, amino acid conservation, physicochemical variation, residue mobility, and thermodynamic stability) indicates that this missense variant is not expected to disrupt PIEZO1 protein function with a negative predictive value of 80%. In summary, the available evidence is currently insufficient to determine the role of this variant in disease. Therefore, it has been classified as a Variant of Uncertain Significance.

ARUP Laboratories, Molecular Genetics and Genomics, ARUP Laboratories
Classification: Uncertain significance. Last evaluated: 2019-08-19. Review status: criteria provided, single submitter. Criteria: ARUP Molecular Germline Variant Investigation Process. Collection method: clinical testing. Allele origin: germline.